The following is an entry in ClinVar:

NM_003052.5(SLC34A1):c.1469C>T (p.Pro490Leu)

Gene: SLC34A1 (solute carrier family 34 member 1; plus strand). Cytogenetic location: 5q35.3.
Variant type: single nucleotide variant.
Coding change: c.1469C>T on transcript NM_003052.5 (MANE Select); coding-DNA position 1469, C replaced by T.
Protein change: p.Pro490Leu; replaces proline 490 with leucine.
Molecular consequence: missense variant.
Genome position (GRCh38, 1-based): chr5:177,397,835, C>T. VCF-style: chr5-177397835-C-T. GRCh37 (hg19) VCF-style: chr5-176824836-C-T.
Other names: short protein forms P490L.
Identifiers: ClinVar variation 352972 (VCV000352972.11), dbSNP rs372577906, ClinGen allele CA3580807.

ClinVar aggregate classification (germline): Conflicting classifications of pathogenicity. Review status: criteria provided, conflicting classifications (1 of 4 stars). 4 submissions from 4 submitters: Uncertain significance (3); Likely benign (1). Last evaluated 2025-09-10.

Conditions:
Hypophosphatemic nephrolithiasis/osteoporosis 1. Identifiers: Orphanet 244305, MedGen C2676786, MONDO:0012850, OMIM 612286.
Fanconi renotubular syndrome 2 (FRTS2). Identifiers: MedGen C3150652, MONDO:0013247, OMIM 613388.
Hypercalcemia, infantile, 2 (HCINF2). Identifiers: Orphanet 300547, MedGen C4310473, MONDO:0014851, OMIM 616963.

Allele frequency attached by ClinVar (database versions not stated): ExAC 0.00002; gnomAD 0.00002; gnomAD exomes 0.00002 and 0.00003; ESP Exome Variant Server 0.00008; TOPMed 0.00008.
gnomAD v4.1: 44 of 1,613,204 alleles (0.0027%); highest among the groups gnomAD compares: Non-Finnish European, 0.0034%; no homozygotes.

Submissions (4):

Genomic Medicine Center of Excellence, King Faisal Specialist Hospital and Research Centre
Classification: Uncertain significance for Hypercalcemia, infantile, 2. Last evaluated: 2025-09-10. Review status: criteria provided, single submitter. Criteria: ACMG Guidelines, 2015. Collection method: clinical testing. Allele origin: germline.

Rare Kidney Stone Consortium and the Mayo Clinic Hyperoxaluria Center, Mayo Clinic
Classification: Uncertain significance for Fanconi renotubular syndrome 2; Hypercalcemia, infantile, 2; Hypophosphatemic nephrolithiasis/osteoporosis 1. Last evaluated: 2025-05-01. Review status: criteria provided, single submitter. Criteria: ACMG Guidelines, 2015. Collection method: research. Allele origin: germline.
Comment: ACMG: PM2

heterozygote

Labcorp Genetics (formerly Invitae), Labcorp
Classification: Uncertain significance. Last evaluated: 2024-05-26. Review status: criteria provided, single submitter. Criteria: Invitae Variant Classification Sherloc (09022015). Collection method: clinical testing. Allele origin: germline.
Comment: This sequence change replaces proline, which is neutral and non-polar, with leucine, which is neutral and non-polar, at codon 490 of the SLC34A1 protein (p.Pro490Leu). This variant is present in population databases (rs372577906, gnomAD 0.004%). This variant has not been reported in the literature in individuals affected with SLC34A1-related conditions. ClinVar contains an entry for this variant (Variation ID: 352972). An algorithm developed to predict the effect of missense changes on protein structure and function (PolyPhen-2) suggests that this variant is likely to be disruptive. In summary, the available evidence is currently insufficient to determine the role of this variant in disease. Therefore, it has been classified as a Variant of Uncertain Significance.

Illumina Laboratory Services, Illumina
Classification: Likely benign for Hypophosphatemic nephrolithiasis/osteoporosis 1. Last evaluated: 2018-01-12. Review status: criteria provided, single submitter. Criteria: ICSL Variant Classification Criteria 13 December 2019. Collection method: clinical testing. Allele origin: germline.
Comment: This variant was observed in the ICSL laboratory as part of a predisposition screen in an ostensibly healthy population. It had not been previously curated by ICSL or reported in the Human Gene Mutation Database (HGMD: prior to June 1st, 2018), and was therefore a candidate for classification through an automated scoring system. Utilizing variant allele frequency, disease prevalence and penetrance estimates, and inheritance mode, an automated score was calculated to assess if this variant is too frequent to cause the disease. Based on the score and internal cut-off values, a variant classified as likely benign is not then subjected to further curation. The score for this variant resulted in a classification of likely benign for this disease.

Literature cited by the submitters: PubMed 34805638 (cited by Rare Kidney Stone Consortium and the Mayo Clinic Hyperoxaluria Center, Mayo Clinic).